The following is an entry in ClinVar:

ClinVar aggregate classification (germline): Uncertain significance (1 of 4 stars; one submission).

Submission:

CeGaT Center for Human Genetics Tuebingen
Classification: Uncertain significance. Last evaluated: 2025-02-01. Review status: criteria provided, single submitter. Criteria: CeGaT Center For Human Genetics Tuebingen Variant Classification Criteria Version 2. Collection method: clinical testing. Allele origin: germline. Affected: yes. Observed: 1 variant allele.
Comment: JAK1: PM2, PP2, PS2:Supporting

NM_002227.4(JAK1):c.3264C>G (p.Phe1088Leu)

Gene: JAK1 (Janus kinase 1; minus strand). Cytogenetic location: 1p31.3.
Variant type: single nucleotide variant.
Coding change: c.3264C>G on transcript NM_002227.4 (MANE Select); coding-DNA position 3264, C replaced by G.
Protein change: p.Phe1088Leu; replaces phenylalanine 1088 with leucine.
Molecular consequence: missense variant.
Genome position (GRCh38, 1-based): chr1:64,835,501, G>C on the plus strand (C>G on the coding strand, the complement: JAK1 is on the minus strand). VCF-style: chr1-64835501-G-C. GRCh37 (hg19) VCF-style: chr1-65301184-G-C.
Other names: c.3264C>G, p.Phe1088Leu (NM_001321854.2, NM_001321855.2, NM_001321856.2 and 3 more transcripts); c.3261C>G, p.Phe1087Leu (NM_001321857.2); short protein forms F1087L, F1088L.
Identifiers: ClinVar variation 3772596 (VCV003772596.13).